The following is an entry in ClinVar:

ClinVar aggregate classification (germline): Uncertain significance. Review status: criteria provided, multiple submitters, no conflicts (2 of 4 stars). 3 submissions from 3 submitters: Uncertain significance (3). Last evaluated 2026-07-22.

Conditions:
Progressive microcephaly-seizures-cortical blindness-developmental delay syndrome. Also called: Seizures, cortical blindness, and microcephaly syndrome. Identifiers: Orphanet 477814, MedGen C5567650, MONDO:0014714, OMIM 616632.
Autosomal dominant nonsyndromic hearing loss 1. Also called: KONIGSMARK SYNDROME; DEAFNESS, AUTOSOMAL DOMINANT 1, WITH OR WITHOUT THROMBOCYTOPENIA. Identifiers: Orphanet 90635, MedGen C1852282, MONDO:0007424, OMIM 124900.
DIAPH1-related disorder. Also called: DIAPH1-related condition.

Allele frequency attached by ClinVar (database versions not stated): gnomAD exomes below 0.00001 and 0.00001; TOPMed below 0.00001.

Submissions (3):

PreventionGenetics, part of Exact Sciences
Classification: Uncertain significance for DIAPH1-related condition. Last evaluated: 2026-07-22. Review status: criteria provided, single submitter. Criteria: ACMG Guidelines, 2015. Collection method: clinical testing. Allele origin: germline.
Comment: The DIAPH1 c.2944C>T variant is predicted to result in the amino acid substitution p.Leu982Phe. To our knowledge, this variant has not been reported in the literature. This variant is reported in 0.0065% of alleles in individuals of African descent in gnomAD. At this time, the clinical significance of this variant is uncertain due to the absence of conclusive functional and genetic evidence.

Labcorp Genetics (formerly Invitae), Labcorp
Classification: Uncertain significance for Progressive microcephaly-seizures-cortical blindness-developmental delay syndrome; Autosomal dominant nonsyndromic hearing loss 1. Last evaluated: 2025-11-30. Review status: criteria provided, single submitter. Criteria: Invitae Variant Classification Sherloc (09022015). Collection method: clinical testing. Allele origin: germline.
Comment: This sequence change replaces leucine, which is neutral and non-polar, with phenylalanine, which is neutral and non-polar, at codon 982 of the DIAPH1 protein (p.Leu982Phe). This variant is present in population databases (no rsID available, gnomAD 0.007%). This variant has not been reported in the literature in individuals affected with DIAPH1-related conditions. ClinVar contains an entry for this variant (Variation ID: 656170). An algorithm developed to predict the effect of missense changes on protein structure and function (PolyPhen-2) suggests that this variant is likely to be disruptive. In summary, the available evidence is currently insufficient to determine the role of this variant in disease. Therefore, it has been classified as a Variant of Uncertain Significance.

Blueprint Genetics
Classification: Uncertain significance. Last evaluated: 2021-10-26. Review status: criteria provided, single submitter. Criteria: ACMG Guidelines, 2015. Collection method: clinical testing. Allele origin: germline.

NM_005219.5(DIAPH1):c.2944C>T (p.Leu982Phe)

Gene: DIAPH1 (diaphanous related formin 1; minus strand). Cytogenetic location: 5q31.3.
Variant type: single nucleotide variant.
Coding change: c.2944C>T on transcript NM_005219.5 (MANE Select); coding-DNA position 2944, C replaced by T.
Protein change: p.Leu982Phe; replaces leucine 982 with phenylalanine.
Molecular consequence: missense variant.
Genome position (GRCh38, 1-based): chr5:141,528,776, G>A on the plus strand (C>T on the coding strand, the complement: DIAPH1 is on the minus strand). VCF-style: chr5-141528776-G-A. GRCh37 (hg19) VCF-style: chr5-140908343-G-A.
Other names: c.2917C>T, p.Leu973Phe (NM_001079812.3); c.2944C>T, p.Leu982Phe (NM_001314007.2); short protein forms L973F, L982F.
Identifiers: ClinVar variation 656170 (VCV000656170.5), dbSNP rs1431409262, ClinGen allele CA361584290.
Genomic context (GRCh38, chr5:141,528,776, plus strand): 5'-TGATATTGAAGCCAAAAGCACCAGCATTTCTGGAGCCAGCATTCATGTAATTTCCAACAA[G>A]CAAGGTAATCTCTAGGAGATTGGAAAAGCTCTCACTCTTACGTAACTCCTCACATGCAGC-3'
Protein context (NP_005210.3, residues 972-992): SFSNLLEITL[Leu982Phe]VGNYMNAGSR